The following is an entry in ClinVar:

ClinVar aggregate classification (germline): Uncertain significance (1 of 4 stars; one submission).

Conditions:
Idiopathic Pulmonary Fibrosis. Also called: Idiopathic fibrosing alveolitis, chronic form; idiopathic fibrosing alveolitis. Identifiers: Orphanet 2032, MedGen C1800706, MeSH D054990, MONDO:0800504.
Dyskeratosis congenita, autosomal dominant 2. Identifiers: MedGen C3151443, MONDO:0013521, OMIM 613989.

Submission:

Labcorp Genetics (formerly Invitae), Labcorp
Classification: Uncertain significance for Dyskeratosis congenita, autosomal dominant 2; Idiopathic Pulmonary Fibrosis. Last evaluated: 2022-10-04. Review status: criteria provided, single submitter. Criteria: Invitae Variant Classification Sherloc (09022015). Collection method: clinical testing. Allele origin: germline.
Comment: In summary, the available evidence is currently insufficient to determine the role of this variant in disease. Therefore, it has been classified as a Variant of Uncertain Significance. Advanced modeling of protein sequence and biophysical properties (such as structural, functional, and spatial information, amino acid conservation, physicochemical variation, residue mobility, and thermodynamic stability) performed at Invitae indicates that this missense variant is expected to disrupt TERT protein function. ClinVar contains an entry for this variant (Variation ID: 1469509). This variant has not been reported in the literature in individuals affected with TERT-related conditions. This variant is not present in population databases (gnomAD no frequency). This sequence change replaces glycine, which is neutral and non-polar, with arginine, which is basic and polar, at codon 138 of the TERT protein (p.Gly138Arg).

NM_198253.3(TERT):c.412G>A (p.Gly138Arg)

Gene: TERT (telomerase reverse transcriptase; minus strand). Cytogenetic location: 5p15.33.
Variant type: single nucleotide variant.
Coding change: c.412G>A on transcript NM_198253.3 (MANE Select); coding-DNA position 412, G replaced by A.
Protein change: p.Gly138Arg; replaces glycine 138 with arginine.
Molecular consequence: missense variant. On other transcripts: non-coding transcript variant (2).
Genome position (GRCh38, 1-based): chr5:1,294,474, C>T on the plus strand (G>A on the coding strand, the complement: TERT is on the minus strand). VCF-style: chr5-1294474-C-T. GRCh37 (hg19) VCF-style: chr5-1294589-C-T.
Other names: c.412G>A, p.Gly138Arg (NM_001193376.3); short protein forms G138R.
Identifiers: ClinVar variation 1469509 (VCV001469509.8), dbSNP rs2126689938, ClinGen allele CA359058083.